The following is an entry in ClinVar:

NM_001035.3(RYR2):c.8755A>G (p.Lys2919Glu)

Gene: RYR2 (ryanodine receptor 2; plus strand). Cytogenetic location: 1q43.
Variant type: single nucleotide variant.
Coding change: c.8755A>G on transcript NM_001035.3 (MANE Select); coding-DNA position 8755, A replaced by G.
Protein change: p.Lys2919Glu; replaces lysine 2919 with glutamic acid.
Molecular consequence: missense variant.
Genome position (GRCh38, 1-based): chr1:237,674,771, A>G. VCF-style: chr1-237674771-A-G. GRCh37 (hg19) VCF-style: chr1-237838071-A-G.
Other names: short protein forms K2919E.
Identifiers: ClinVar variation 2774354 (VCV002774354.2), dbSNP rs2547218191, ClinGen allele CA345403278.

ClinVar aggregate classification (germline): Uncertain significance (1 of 4 stars; one submission).

Conditions:
Cardiomyopathy (CMYO). Also called: Cardiomyopathies. Identifiers: Orphanet 167848, MedGen C0878544, MONDO:0004994, HP:0001638. Inheritance: Various modes of inheritance.

Submission:

Color Diagnostics, LLC DBA Color Health
Classification: Uncertain significance for Cardiomyopathy. Last evaluated: 2022-12-24. Review status: criteria provided, single submitter. Criteria: ACMG Guidelines, 2015. Collection method: clinical testing. Allele origin: germline.
Comment: This missense variant replaces lysine with glutamic acid at codon 2919 of the RYR2 protein. Computational prediction suggests that this variant may have deleterious impact on protein structure and function (internally defined REVEL score threshold >= 0.7, PMID: 27666373). To our knowledge, functional studies have not been reported for this variant. This variant has not been reported in individuals affected with RYR2-related disorders in the literature. This variant has not been identified in the general population by the Genome Aggregation Database (gnomAD). The available evidence is insufficient to determine the role of this variant in disease conclusively. Therefore, this variant is classified as a Variant of Uncertain Significance.